The following is an entry in ClinVar:

NM_000334.4(SCN4A):c.2055G>A (p.Thr685=)

Genes: GH-LCR (growth hormone locus control region; plus strand), SCN4A (sodium voltage-gated channel alpha subunit 4; minus strand). Cytogenetic location: 17q23.3.
Variant type: single nucleotide variant.
Coding change: c.2055G>A on transcript NM_000334.4 (MANE Select); coding-DNA position 2055, G replaced by A.
Protein change: p.Thr685=; no amino-acid change (threonine 685 retained).
Molecular consequence: synonymous variant.
Genome position (GRCh38, 1-based): chr17:63,957,483, C>T on the plus strand (G>A on the coding strand, the complement: SCN4A is on the minus strand). VCF-style: chr17-63957483-C-T. GRCh37 (hg19) VCF-style: chr17-62034843-C-T.
Identifiers: ClinVar variation 392534 (VCV000392534.4), dbSNP rs766227475, ClinGen allele CA8709663.

ClinVar aggregate classification (germline): Likely benign. Review status: criteria provided, multiple submitters, no conflicts (2 of 4 stars). 3 submissions from 3 submitters: Likely benign (3). Last evaluated 2025-04-08.

Conditions:
Hyperkalemic periodic paralysis. Also called: Familial hyperkalemic periodic paralysis; Gamstorp disease. Identifiers: Orphanet 682, MedGen C0238357, MONDO:0008224, OMIM 170500, HP:0007215.

Allele frequency attached by ClinVar (database versions not stated): ExAC 0.00001; gnomAD 0.00001; gnomAD exomes 0.00001 and 0.00002.
gnomAD v4.1: 16 of 1,613,026 alleles (0.00099%); highest among the groups gnomAD compares: Admixed American, 0.0017%; no homozygotes.

Submissions (3):

Labcorp Genetics (formerly Invitae), Labcorp
Classification: Likely benign for Hyperkalemic periodic paralysis. Last evaluated: 2025-04-08. Review status: criteria provided, single submitter. Criteria: Invitae Variant Classification Sherloc (09022015). Collection method: clinical testing. Allele origin: germline.

Blueprint Genetics
Classification: Likely benign. Last evaluated: 2021-10-13. Review status: criteria provided, single submitter. Criteria: ACMG Guidelines, 2015. Collection method: clinical testing. Allele origin: germline.

GeneDx
Classification: Likely benign. Last evaluated: 2017-01-09. Review status: criteria provided, single submitter. Criteria: GeneDx Variant Classification (06012015). Collection method: clinical testing. Allele origin: germline. Affected: yes.
Comment: This variant is considered likely benign or benign based on one or more of the following criteria: it is a conservative change, it occurs at a poorly conserved position in the protein, it is predicted to be benign by multiple in silico algorithms, and/or has population frequency not consistent with disease.